The following is an entry in ClinVar:

NM_017763.6(RNF43):c.1306C>A (p.Arg436Ser)

Gene: RNF43 (ring finger protein 43; minus strand). Cytogenetic location: 17q22.
Variant type: single nucleotide variant.
Coding change: c.1306C>A on transcript NM_017763.6 (MANE Select); coding-DNA position 1306, C replaced by A.
Protein change: p.Arg436Ser; replaces arginine 436 with serine.
Molecular consequence: missense variant.
Genome position (GRCh38, 1-based): chr17:58,358,470, G>T on the plus strand (C>A on the coding strand, the complement: RNF43 is on the minus strand). VCF-style: chr17-58358470-G-T. GRCh37 (hg19) VCF-style: chr17-56435831-G-T.
Other names: c.1306C>A, p.Arg436Ser (NM_001305544.3); c.925C>A, p.Arg309Ser (NM_001305545.2); c.1306C>A (NM_017763.4); short protein forms R436S, R309S.
Identifiers: ClinVar variation 2996771 (VCV002996771.4), dbSNP rs1025275269, ClinGen allele CA400330322.

ClinVar aggregate classification (germline): Uncertain significance. Review status: criteria provided, multiple submitters, no conflicts (2 of 4 stars). 2 submissions from 2 submitters: Uncertain significance (2). Last evaluated 2026-05-24.

Submissions (2):

Ambry Genetics
Classification: Uncertain significance. Last evaluated: 2026-05-24. Review status: criteria provided, single submitter. Criteria: Ambry Variant Classification Scheme 2023. Collection method: clinical testing. Allele origin: germline.
Comment: The p.R436S variant (also known as c.1306C>A), located in coding exon 8 of the RNF43 gene, results from a C to A substitution at nucleotide position 1306. The arginine at codon 436 is replaced by serine, an amino acid with dissimilar properties. This amino acid position is conserved. In addition, this alteration is predicted to be tolerated by in silico analysis. Based on the available evidence, the clinical significance of this variant remains unclear.

Labcorp Genetics (formerly Invitae), Labcorp
Classification: Uncertain significance. Last evaluated: 2023-07-16. Review status: criteria provided, single submitter. Criteria: Invitae Variant Classification Sherloc (09022015). Collection method: clinical testing. Allele origin: germline.
Comment: In summary, the available evidence is currently insufficient to determine the role of this variant in disease. Therefore, it has been classified as a Variant of Uncertain Significance. An algorithm developed to predict the effect of missense changes on protein structure and function (PolyPhen-2) suggests that this variant is likely to be tolerated. This variant has not been reported in the literature in individuals affected with RNF43-related conditions. This variant is not present in population databases (gnomAD no frequency). This sequence change replaces arginine, which is basic and polar, with serine, which is neutral and polar, at codon 436 of the RNF43 protein (p.Arg436Ser).